The following is an entry in ClinVar:

NM_004320.6(ATP2A1):c.2040G>T (p.Glu680Asp)

Gene: ATP2A1 (ATPase sarcoplasmic/endoplasmic reticulum Ca2+ transporting 1; plus strand). Cytogenetic location: 16p11.2.
Variant type: single nucleotide variant.
Coding change: c.2040G>T on transcript NM_004320.6 (MANE Select); coding-DNA position 2040, G replaced by T.
Protein change: p.Glu680Asp; replaces glutamic acid 680 with aspartic acid.
Molecular consequence: missense variant.
Genome position (GRCh38, 1-based): chr16:28,900,856, G>T. VCF-style: chr16-28900856-G-T. GRCh37 (hg19) VCF-style: chr16-28912177-G-T.
Other names: c.1665G>T, p.Glu555Asp (NM_001286075.2); c.2040G>T, p.Glu680Asp (NM_173201.5); short protein forms E555D, E680D.
Identifiers: ClinVar variation 1466904 (VCV001466904.6), dbSNP rs775815693, ClinGen allele CA7987154.

ClinVar aggregate classification (germline): Uncertain significance (1 of 4 stars; one submission).

Conditions:
Brody myopathy. Also called: BRODY DISEASE. Identifiers: Orphanet 53347, MedGen C1832918, MONDO:0010977, OMIM 601003.

Allele frequency attached by ClinVar (database versions not stated): ExAC 0.00001; gnomAD exomes 0.00001.
gnomAD v4.1: 3 of 1,614,226 alleles (0.00019%); highest among the groups gnomAD compares: Admixed American, 0.005%; no homozygotes.

Submission:

Labcorp Genetics (formerly Invitae), Labcorp
Classification: Uncertain significance for Brody myopathy. Last evaluated: 2021-08-18. Review status: criteria provided, single submitter. Criteria: Invitae Variant Classification Sherloc (09022015). Collection method: clinical testing. Allele origin: germline.
Comment: In summary, the available evidence is currently insufficient to determine the role of this variant in disease. Therefore, it has been classified as a Variant of Uncertain Significance. Algorithms developed to predict the effect of missense changes on protein structure and function are either unavailable or do not agree on the potential impact of this missense change (SIFT: "Deleterious"; PolyPhen-2: "Probably Damaging"; Align-GVGD: "Class C0"). This variant has not been reported in the literature in individuals affected with ATP2A1-related conditions. This variant is present in population databases (rs775815693, ExAC 0.009%). This sequence change replaces glutamic acid with aspartic acid at codon 680 of the ATP2A1 protein (p.Glu680Asp). The glutamic acid residue is highly conserved and there is a small physicochemical difference between glutamic acid and aspartic acid.